The following is an entry in ClinVar:

ClinVar aggregate classification (germline): Pathogenic. Review status: criteria provided, multiple submitters, no conflicts (2 of 4 stars). 2 submissions from 2 submitters: Pathogenic (2). Last evaluated 2024-05-01.

Conditions:
Schimke immuno-osseous dysplasia (SIOD). Also called: Schimke Immunoosseous Dysplasia. Identifiers: Orphanet 1830, MedGen C0877024, MONDO:0009458, OMIM 242900.

gnomAD v4.1: 1 of 1,613,570 alleles (0.000062%); highest among the groups gnomAD compares: African/African-American, 0.0013%; no homozygotes.

Submissions (2):

Labcorp Genetics (formerly Invitae), Labcorp
Classification: Pathogenic for Schimke immuno-osseous dysplasia. Last evaluated: 2024-05-01. Review status: criteria provided, single submitter. Criteria: Invitae Variant Classification Sherloc (09022015). Collection method: clinical testing. Allele origin: germline.
Comment: This sequence change creates a premature translational stop signal (p.Trp620*) in the SMARCAL1 gene. It is expected to result in an absent or disrupted protein product. Loss-of-function variants in SMARCAL1 are known to be pathogenic (PMID: 11799392, 20301550). This variant is not present in population databases (gnomAD no frequency). This premature translational stop signal has been observed in individual(s) with focal segmental glomerulosclerosis (PMID: 25349199). For these reasons, this variant has been classified as Pathogenic.

Juno Genomics, Hangzhou Juno Genomics, Inc
Classification: Pathogenic for Schimke immuno-osseous dysplasia. Review status: criteria provided, single submitter. Criteria: ACMG Guidelines, 2015. Collection method: clinical testing. Allele origin: germline. Affected: yes.
Comment: Absent from controls (or at extremely low frequency if recessive) in Genome Aggregation Database, Exome Sequencing Project, 1000 Genomes Project, or Exome Aggregation Consortium.;Null variant in a gene where loss of function (LOF) is a known mechanism of disease.;For recessive disorders, detected in trans with a pathogenic variant.

Literature cited by the submitters: PubMed 11799392 (cited by Labcorp Genetics (formerly Invitae), Labcorp); PubMed 20301550 (cited by Labcorp Genetics (formerly Invitae), Labcorp); PubMed 25349199 (cited by Labcorp Genetics (formerly Invitae), Labcorp).

NM_014140.4(SMARCAL1):c.1860G>A (p.Trp620Ter)

Gene: SMARCAL1 (SNF2 related chromatin remodeling annealing helicase 1; plus strand). Cytogenetic location: 2q35.
Variant type: single nucleotide variant.
Coding change: c.1860G>A on transcript NM_014140.4 (MANE Select); coding-DNA position 1860, G replaced by A.
Protein change: p.Trp620Ter; replaces tryptophan 620 with a stop codon.
Molecular consequence: nonsense.
Genome position (GRCh38, 1-based): chr2:216,450,854, G>A. VCF-style: chr2-216450854-G-A. GRCh37 (hg19) VCF-style: chr2-217315577-G-A.
Other names: c.1860G>A, p.Trp620Ter (NM_001127207.2); short protein forms W620*.
Identifiers: ClinVar variation 2734389 (VCV002734389.4), dbSNP rs909012139, ClinGen allele CA350501913.